The following is an entry in ClinVar:

NM_000601.6(HGF):c.725G>A (p.Arg242Gln)

Gene: HGF (hepatocyte growth factor; minus strand). Cytogenetic location: 7q21.11.
Variant type: single nucleotide variant.
Coding change: c.725G>A on transcript NM_000601.6 (MANE Select); coding-DNA position 725, G replaced by A.
Protein change: p.Arg242Gln; replaces arginine 242 with glutamine.
Molecular consequence: missense variant.
Genome position (GRCh38, 1-based): chr7:81,745,021, C>T on the plus strand (G>A on the coding strand, the complement: HGF is on the minus strand). VCF-style: chr7-81745021-C-T. GRCh37 (hg19) VCF-style: chr7-81374337-C-T.
Other names: c.725G>A, p.Arg242Gln (NM_001010931.3); c.710G>A, p.Arg237Gln (NM_001010932.3, NM_001010933.3); short protein forms R237Q, R242Q.
Identifiers: ClinVar variation 1321642 (VCV001321642.3), dbSNP rs200559590, ClinGen allele CA4317137.

ClinVar aggregate classification (germline): Uncertain significance. Review status: criteria provided, multiple submitters, no conflicts (2 of 4 stars). 2 submissions from 2 submitters: Uncertain significance (2). Last evaluated 2023-11-28.

Allele frequency attached by ClinVar (database versions not stated): gnomAD 0.00001; gnomAD exomes 0.00002 and 0.00003; ExAC 0.00003; TOPMed 0.00003; ESP Exome Variant Server 0.00008.
gnomAD v4.1: 42 of 1,613,862 alleles (0.0026%); highest among the groups gnomAD compares: Non-Finnish European, 0.0025%; no homozygotes.

Submissions (2):

Blueprint Genetics
Classification: Uncertain significance. Last evaluated: 2023-11-28. Review status: criteria provided, single submitter. Criteria: ACMG Guidelines, 2015. Collection method: clinical testing. Allele origin: germline.

GeneDx
Classification: Uncertain significance. Last evaluated: 2021-10-26. Review status: criteria provided, single submitter. Criteria: GeneDx Variant Classification Process June 2021. Collection method: clinical testing. Allele origin: germline. Affected: yes.
Comment: In silico analysis supports that this missense variant does not alter protein structure/function; Has not been previously published as pathogenic or benign to our knowledge